The following is an entry in ClinVar:

ClinVar aggregate classification (germline): Conflicting classifications of pathogenicity. Review status: criteria provided, conflicting classifications (1 of 4 stars). 4 submissions from 4 submitters: Likely pathogenic (1); Uncertain significance (3). Last evaluated 2026-08-17.

Conditions:
Autosomal recessive nonsyndromic hearing loss 12. Also called: DEAFNESS, AUTOSOMAL RECESSIVE 12. Identifiers: Orphanet 90636, MedGen C1832394, MONDO:0011067, OMIM 601386.
CDH23-related disorder. Also called: CDH23-related condition; CDH23-related disorders.

Allele frequency attached by ClinVar (database versions not stated): TOPMed below 0.00001; gnomAD 0.00002; gnomAD exomes 0.00003; ExAC 0.00004; 1000 Genomes Project 30x 0.00031; 1000 Genomes Project 0.00040.
gnomAD v4.1: 49 of 1,613,898 alleles (0.003%); highest among the groups gnomAD compares: South Asian, 0.0077%; 1 homozygote.

Submissions (4):

PreventionGenetics, part of Exact Sciences
Classification: Uncertain significance for CDH23-related condition. Last evaluated: 2026-08-17. Review status: criteria provided, single submitter. Criteria: ACMG Guidelines, 2015. Collection method: clinical testing. Allele origin: germline.
Comment: The CDH23 c.9128G>A variant is predicted to result in the amino acid substitution p.Arg3043Gln. To our knowledge, this variant has not been reported in the literature. This variant is reported in ClinVar as uncertain and likely pathogenic. This variant is reported in 0.0098% of alleles in individuals of South Asian descent in gnomAD. At this time, the clinical significance of this variant is uncertain due to the absence of conclusive functional and genetic evidence.

GeneDx
Classification: Uncertain significance. Last evaluated: 2026-07-01. Review status: criteria provided, single submitter. Criteria: GeneDx Variant Classification Process June 2021. Collection method: clinical testing. Allele origin: germline.
Comment: In silico analysis suggests that this missense variant does not alter protein structure/function; In silico analysis suggests this variant may impact gene splicing. In the absence of RNA/functional studies, the actual effect of this sequence change is unknown.; Has not been previously published as pathogenic or benign to our knowledge

Institute of Rare Diseases, West China Hospital, Sichuan University
Classification: Likely pathogenic for Autosomal recessive nonsyndromic hearing loss 12. Last evaluated: 2025-01-09. Review status: criteria provided, single submitter. Criteria: ClinGen HL ACMG Specifications v1. Collection method: research. Allele origin: germline. Affected: yes.
Comment: PM3_Strong;PM5;PM2_Supporting

Blueprint Genetics
Classification: Uncertain significance. Last evaluated: 2024-01-25. Review status: criteria provided, single submitter. Criteria: ACMG Guidelines, 2015. Collection method: clinical testing. Allele origin: germline.

NM_022124.6(CDH23):c.9128G>A (p.Arg3043Gln)

Gene: CDH23 (cadherin related 23; plus strand). Cytogenetic location: 10q22.1.
Variant type: single nucleotide variant.
Coding change: c.9128G>A on transcript NM_022124.6 (MANE Select); coding-DNA position 9128, G replaced by A.
Protein change: p.Arg3043Gln; replaces arginine 3043 with glutamine.
Molecular consequence: missense variant.
Genome position (GRCh38, 1-based): chr10:71,811,365, G>A. VCF-style: chr10-71811365-G-A. GRCh37 (hg19) VCF-style: chr10-73571122-G-A.
Other names: c.2408G>A, p.Arg803Gln (NM_001171933.1, NM_001171934.1); short protein forms R3043Q, R803Q.
Identifiers: ClinVar variation 2498013 (VCV002498013.5), dbSNP rs565784910, ClinGen allele CA5546890.